The following is an entry in ClinVar:

NM_001364905.1(LRBA):c.1604C>T (p.Ser535Phe)

Gene: LRBA (LPS responsive beige-like anchor protein; minus strand). Cytogenetic location: 4q31.3.
Variant type: single nucleotide variant.
Coding change: c.1604C>T on transcript NM_001364905.1 (MANE Select); coding-DNA position 1604, C replaced by T.
Protein change: p.Ser535Phe; replaces serine 535 with phenylalanine.
Molecular consequence: missense variant.
Genome position (GRCh38, 1-based): chr4:150,905,989, G>A on the plus strand (C>T on the coding strand, the complement: LRBA is on the minus strand). VCF-style: chr4-150905989-G-A. GRCh37 (hg19) VCF-style: chr4-151827141-G-A.
Other names: c.1604C>T, p.Ser535Phe (NM_001199282.3, NM_001367550.1, NM_006726.5); short protein forms S535F.
Identifiers: ClinVar variation 1041234 (VCV001041234.9), dbSNP rs750781811, ClinGen allele CA3103524.

ClinVar aggregate classification (germline): Uncertain significance. Review status: criteria provided, multiple submitters, no conflicts (2 of 4 stars). 2 submissions from 2 submitters: Uncertain significance (2). Last evaluated 2024-03-07.

Conditions:
Combined immunodeficiency due to LRBA deficiency. Also called: Common variable immunodeficiency 8, with autoimmunity. Identifiers: Orphanet 445018, MedGen C3553512, MONDO:0013863, OMIM 614700.
Inborn genetic diseases. Identifiers: MedGen C0950123, MeSH D030342.

Allele frequency attached by ClinVar (database versions not stated): gnomAD 0.00001; gnomAD exomes 0.00001 and 0.00003; TOPMed 0.00002; ExAC 0.00005.
gnomAD v4.1: 16 of 1,611,384 alleles (0.00099%); highest among the groups gnomAD compares: East Asian, 0.025%; no homozygotes.

Submissions (2):

Ambry Genetics
Classification: Uncertain significance for Inborn genetic diseases. Last evaluated: 2024-03-07. Review status: criteria provided, single submitter. Criteria: Ambry Variant Classification Scheme 2023. Collection method: clinical testing. Allele origin: germline.

Labcorp Genetics (formerly Invitae), Labcorp
Classification: Uncertain significance for Combined immunodeficiency due to LRBA deficiency. Last evaluated: 2020-05-13. Review status: criteria provided, single submitter. Criteria: Invitae Variant Classification Sherloc (09022015). Collection method: clinical testing. Allele origin: germline.
Comment: This sequence change replaces serine with phenylalanine at codon 535 of the LRBA protein (p.Ser535Phe). The serine residue is weakly conserved and there is a large physicochemical difference between serine and phenylalanine. This variant is present in population databases (rs750781811, ExAC 0.07%). This variant has not been reported in the literature in individuals with LRBA-related conditions. Algorithms developed to predict the effect of missense changes on protein structure and function are either unavailable or do not agree on the potential impact of this missense change (SIFT: "Deleterious"; PolyPhen-2: "Probably Damaging"; Align-GVGD: "Class C0"). In summary, the available evidence is currently insufficient to determine the role of this variant in disease. Therefore, it has been classified as a Variant of Uncertain Significance.